The following is an entry in ClinVar:

NM_203447.4(DOCK8):c.835A>G (p.Ile279Val)

Gene: DOCK8 (dedicator of cytokinesis 8; plus strand). Cytogenetic location: 9p24.3.
Variant type: single nucleotide variant.
Coding change: c.835A>G on transcript NM_203447.4 (MANE Select); coding-DNA position 835, A replaced by G.
Protein change: p.Ile279Val; replaces isoleucine 279 with valine.
Molecular consequence: missense variant.
Genome position (GRCh38, 1-based): chr9:325,678, A>G. VCF-style: chr9-325678-A-G. GRCh37 (hg19) VCF-style: chr9-325678-A-G.
Other names: c.631A>G, p.Ile211Val (NM_001190458.2, NM_001193536.2); short protein forms I211V, I279V.
Identifiers: ClinVar variation 1018191 (VCV001018191.8), dbSNP rs757116203, ClinGen allele CA187747719.
Genomic context (GRCh38, chr9:325,678, plus strand): 5'-TTCAAAATTATCTAACTCAAAGCCACATAGATTTTCCTCTCTTTCTATGGTAGGTTCGAG[A>G]TTGAAATTGAGCCCCTGTTTGCCAGCATTGCCCTCTACGATGTTAAAGAAAGGAAAAAGG-3'
Protein context (NP_982272.2, residues 269-289): LVKLLTLKFE[Ile279Val]EIEPLFASIA

ClinVar aggregate classification (germline): Uncertain significance (1 of 4 stars; one submission).

gnomAD v4.1: 20 of 1,613,834 alleles (0.0012%); highest among the groups gnomAD compares: Non-Finnish European, 0.0017%; no homozygotes.

Submission:

Labcorp Genetics (formerly Invitae), Labcorp
Classification: Uncertain significance for Combined immunodeficiency due to DOCK8 deficiency. Last evaluated: 2020-07-23. Review status: criteria provided, single submitter. Criteria: Invitae Variant Classification Sherloc (09022015). Collection method: clinical testing. Allele origin: germline.
Comment: This sequence change replaces isoleucine with valine at codon 279 of the DOCK8 protein (p.Ile279Val). The isoleucine residue is moderately conserved and there is a small physicochemical difference between isoleucine and valine. In summary, the available evidence is currently insufficient to determine the role of this variant in disease. Therefore, it has been classified as a Variant of Uncertain Significance. Algorithms developed to predict the effect of missense changes on protein structure and function are either unavailable or do not agree on the potential impact of this missense change (SIFT: "Tolerated"; PolyPhen-2: "Probably Damaging"; Align-GVGD: "Class C0"). This variant has not been reported in the literature in individuals with DOCK8-related conditions. This variant is not present in population databases (ExAC no frequency).